The following is an entry in ClinVar:

ClinVar aggregate classification (germline): Likely benign. Review status: criteria provided, single submitter (1 of 4 stars). 2 submissions from 2 submitters: Likely benign (1). 1 of the submissions does not count toward it. Last evaluated 2026-01-05.

Conditions:
PHIP-related disorder. Also called: PHIP-related condition; PHIP-related disorders.

Allele frequency attached by ClinVar (database versions not stated): ExAC 0.00003; gnomAD 0.00003; TOPMed 0.00005; ESP Exome Variant Server 0.00008; 1000 Genomes Project 30x 0.00016; 1000 Genomes Project 0.00020.
gnomAD v4.1: 9 of 1,496,938 alleles (0.0006%); highest among the groups gnomAD compares: African/African-American, 0.0083%; no homozygotes.

Submissions (2):

Labcorp Genetics (formerly Invitae), Labcorp
Classification: Likely benign. Last evaluated: 2026-01-05. Review status: criteria provided, single submitter. Criteria: Invitae Variant Classification Sherloc (09022015). Collection method: clinical testing. Allele origin: germline.

PreventionGenetics, part of Exact Sciences
Classification: Likely benign for PHIP-related condition. Last evaluated: 2021-07-21. Review status: no assertion criteria provided. Collection method: clinical testing. Allele origin: germline. Not counted in ClinVar's aggregate classification.
Comment: This variant is classified as likely benign based on ACMG/AMP sequence variant interpretation guidelines (Richards et al. 2015 PMID: 25741868, with internal and published modifications).

NM_017934.7(PHIP):c.2461-5C>T

Gene: PHIP (PHIP subunit of CUL4-Ring ligase complex; minus strand). Cytogenetic location: 6q14.1.
Variant type: single nucleotide variant.
Coding change: c.2461-5C>T on transcript NM_017934.7 (MANE Select); 5 bases into the intron before coding-DNA position 2461, C replaced by T.
Molecular consequence: intron variant.
Genome position (GRCh38, 1-based): chr6:78,985,433, G>A on the plus strand (C>T on the coding strand, the complement: PHIP is on the minus strand). VCF-style: chr6-78985433-G-A. GRCh37 (hg19) VCF-style: chr6-79695150-G-A.
Other names: c.2461-5C>T (NM_017934.6).
Identifiers: ClinVar variation 2900853 (VCV002900853.5), dbSNP rs370643146, ClinGen allele CA3899938.